The following is an entry in ClinVar:

ClinVar aggregate classification (germline): Uncertain significance. Review status: criteria provided, single submitter (1 of 4 stars). 2 submissions from 2 submitters: Uncertain significance (1). 1 of the submissions does not count toward it. Last evaluated 2025-11-12.

Conditions:
TSHZ1-related disorder. Also called: TSHZ1-related condition.

gnomAD v4.1: 7 of 1,614,166 alleles (0.00043%); highest among the groups gnomAD compares: Non-Finnish European, 0.00059%; no homozygotes.

Submissions (2):

Ambry Genetics
Classification: Uncertain significance. Last evaluated: 2025-11-12. Review status: criteria provided, single submitter. Criteria: Ambry Variant Classification Scheme 2023. Collection method: clinical testing. Allele origin: germline.

PreventionGenetics, part of Exact Sciences
Classification: Uncertain significance for TSHZ1-related condition. Last evaluated: 2024-09-17. Review status: no assertion criteria provided. Collection method: clinical testing. Allele origin: germline. Not counted in ClinVar's aggregate classification.
Comment: The TSHZ1 c.2143G>T variant is predicted to result in the amino acid substitution p.Val715Leu. To our knowledge, this variant has not been reported in the literature or in a large population database, indicating this variant is rare. At this time, the clinical significance of this variant is uncertain due to the absence of conclusive functional and genetic evidence.

NM_001308210.2(TSHZ1):c.2278G>T (p.Val760Leu)

Gene: TSHZ1 (teashirt zinc finger homeobox 1; plus strand). Cytogenetic location: 18q22.3.
Variant type: single nucleotide variant.
Coding change: c.2278G>T on transcript NM_001308210.2 (MANE Select); coding-DNA position 2278, G replaced by T.
Protein change: p.Val760Leu; replaces valine 760 with leucine.
Molecular consequence: missense variant.
Genome position (GRCh38, 1-based): chr18:75,287,685, G>T. VCF-style: chr18-75287685-G-T. GRCh37 (hg19) VCF-style: chr18-72999640-G-T.
Other names: c.2143G>T (NM_005786.4); c.2143G>T, p.Val715Leu (NM_005786.6); short protein forms V715L, V760L.
Identifiers: ClinVar variation 3345082 (VCV003345082.2).